The following is an entry in ClinVar:

ClinVar aggregate classification (germline): Uncertain significance. Review status: criteria provided, multiple submitters, no conflicts (2 of 4 stars). 2 submissions from 2 submitters: Uncertain significance (2). Last evaluated 2026-02-01.

Conditions:
Inborn genetic diseases. Identifiers: MedGen C0950123, MeSH D030342.

Allele frequency attached by ClinVar (database versions not stated): gnomAD exomes 0.00002; TOPMed 0.00002; gnomAD 0.00004 and 0.00005; 1000 Genomes Project 30x 0.00016.
gnomAD v4.1: 11 of 1,475,728 alleles (0.00075%); highest among the groups gnomAD compares: Admixed American, 0.021%; no homozygotes.

Submissions (2):

Labcorp Genetics (formerly Invitae), Labcorp
Classification: Uncertain significance. Last evaluated: 2026-02-01. Review status: criteria provided, single submitter. Criteria: Invitae Variant Classification Sherloc (09022015). Collection method: clinical testing. Allele origin: germline.
Comment: This sequence change replaces histidine, which is basic and polar, with leucine, which is neutral and non-polar, at codon 19 of the COL4A1 protein (p.His19Leu). This variant is present in population databases (no rsID available, gnomAD 0.01%). This variant has not been reported in the literature in individuals affected with COL4A1-related conditions. ClinVar contains an entry for this variant (Variation ID: 1495098). Invitae Evidence Modeling of protein sequence and biophysical properties (such as structural, functional, and spatial information, amino acid conservation, physicochemical variation, residue mobility, and thermodynamic stability) indicates that this missense variant is not expected to disrupt COL4A1 protein function with a negative predictive value of 95%. In summary, the available evidence is currently insufficient to determine the role of this variant in disease. Therefore, it has been classified as a Variant of Uncertain Significance.

Ambry Genetics
Classification: Uncertain significance for Inborn genetic diseases. Last evaluated: 2024-12-07. Review status: criteria provided, single submitter. Criteria: Ambry Variant Classification Scheme 2023. Collection method: clinical testing. Allele origin: germline.

NM_001845.6(COL4A1):c.56A>T (p.His19Leu)

Gene: COL4A1 (collagen type IV alpha 1 chain; minus strand). Cytogenetic location: 13q34.
Variant type: single nucleotide variant.
Coding change: c.56A>T on transcript NM_001845.6 (MANE Select); coding-DNA position 56, A replaced by T.
Protein change: p.His19Leu; replaces histidine 19 with leucine.
Molecular consequence: missense variant.
Genome position (GRCh38, 1-based): chr13:110,306,972, T>A on the plus strand (A>T on the coding strand, the complement: COL4A1 is on the minus strand). VCF-style: chr13-110306972-T-A. GRCh37 (hg19) VCF-style: chr13-110959319-T-A.
Other names: c.56A>T (NM_001845.4); c.56A>T, p.His19Leu (NM_001303110.2); short protein forms H19L.
Identifiers: ClinVar variation 1495098 (VCV001495098.7), dbSNP rs1456821193, ClinGen allele CA388732573.